The following is an entry in ClinVar:

NM_001010867.4(IBA57):c.833G>T (p.Arg278Leu)

Gene: IBA57 (iron-sulfur cluster assembly factor IBA57; plus strand). Cytogenetic location: 1q42.13.
Variant type: single nucleotide variant.
Coding change: c.833G>T on transcript NM_001010867.4 (MANE Select); coding-DNA position 833, G replaced by T.
Protein change: p.Arg278Leu; replaces arginine 278 with leucine.
Molecular consequence: missense variant.
Genome position (GRCh38, 1-based): chr1:228,175,275, G>T. VCF-style: chr1-228175275-G-T. GRCh37 (hg19) VCF-style: chr1-228362976-G-T.
Other names: c.254G>T, p.Arg85Leu (NM_001310327.2); short protein forms R278L, R85L.
Identifiers: ClinVar variation 426236 (VCV000426236.2), dbSNP rs751210041, ClinGen allele CA38742315.
Genomic context (GRCh38, chr1:228,175,275, plus strand): 5'-GCTGCTACATTGGCCAGGAGCTGACGGCCCGCACCCACCACATGGGCGTCATCCGCAAGC[G>T]CCTCTTCCCTGTCCGGTTCTTGGACCCCCTTCCCACCAGTGGCATCACCCCTGGTGCCAC-3'
Protein context (NP_001010867.1, residues 268-288): RTHHMGVIRK[Arg278Leu]LFPVRFLDPL

ClinVar aggregate classification (germline): Uncertain significance (1 of 4 stars; one submission).

Allele frequency attached by ClinVar (database versions not stated): gnomAD 0.00001; TOPMed 0.00003.
gnomAD v4.1: 34 of 1,612,714 alleles (0.0021%); highest among the groups gnomAD compares: Non-Finnish European, 0.0029%; no homozygotes.

Submission:

GeneDx
Classification: Uncertain significance. Last evaluated: 2017-04-25. Review status: criteria provided, single submitter. Criteria: GeneDx Variant Classification (06012015). Collection method: clinical testing. Allele origin: germline. Affected: yes.
Comment: The R278L variant in the IBA57 gene has not been reported previously as a pathogenic variant, nor as a benign variant, to our knowledge. The R278L variant is not observed in large population cohorts (Lek et al., 2016; 1000 Genomes Consortium et al., 2015; Exome Variant Server). The R278L variant is a non-conservative amino acid substitution, which is likely to impact secondary protein structure as these residues differ in polarity, charge, size and/or other properties. This substitution occurs at a position that is conserved across species. In silico analysis predicts this variant is probably damaging to the protein structure/function. We interpret R278L as a variant of uncertain significance.